The following is an entry in ClinVar:

ClinVar aggregate classification (germline): Pathogenic/Likely pathogenic. Review status: criteria provided, multiple submitters, no conflicts (2 of 4 stars). 3 submissions from 3 submitters: Pathogenic (2); Likely pathogenic (1). Last evaluated 2024-03-01.

Conditions:
Juvenile myelomonocytic leukemia (JMML). Also called: LEUKEMIA, JUVENILE MYELOMONOCYTIC, SOMATIC. Identifiers: Orphanet 86834, MedGen C0349639, MONDO:0011908, OMIM 607785, HP:0012209.
Neurofibromatosis, type 1 (NF1). Also called: Peripheral type neurofibromatosis; VON RECKLINGHAUSEN DISEASE; NEUROFIBROMATOSIS, TYPE I, SOMATIC; Neurofibromatosis, type I. Identifiers: Orphanet 636, MedGen C0027831, MONDO:0018975, OMIM 162200. Disease mechanism: loss of function.

Submissions (3):

GeneDx
Classification: Pathogenic. Last evaluated: 2024-03-01. Review status: criteria provided, single submitter. Criteria: GeneDx Variant Classification Process June 2021. Collection method: clinical testing. Allele origin: germline. Affected: yes.
Comment: Canonical splice site variant demonstrated to result in aberrant splicing in a gene for which loss of function is a known mechanism of disease (PMID: 27074763); Identified in a patient with clinical suspicion of neurofibromatosis type 1 in published literature (PMID: 27074763); Deletions involving coding exons of this gene are a known mechanism of disease (HGMD; other references); Not observed at significant frequency in large population cohorts (gnomAD); This variant is associated with the following publications: (PMID: 2121369, 25486365, 27074763)

Labcorp Genetics (formerly Invitae), Labcorp
Classification: Pathogenic for Neurofibromatosis, type 1. Last evaluated: 2022-05-05. Review status: criteria provided, single submitter. Criteria: Invitae Variant Classification Sherloc (09022015). Collection method: clinical testing. Allele origin: germline.
Comment: Disruption of this splice site has been observed in individual(s) with neurofibromatosis type I (PMID: 25480383, 27074763). Studies have shown that disruption of this splice site results in skipping of exon 21 and introduces a premature termination codon (PMID: 27074763). The resulting mRNA is expected to undergo nonsense-mediated decay. For these reasons, this variant has been classified as Pathogenic. This variant is not present in population databases (gnomAD no frequency). This sequence change affects a donor splice site in intron 21 of the NF1 gene. RNA analysis indicates that disruption of this splice site induces altered splicing and may result in an absent or disrupted protein product.

Baylor Genetics
Classification: Likely pathogenic for Juvenile myelomonocytic leukemia. Last evaluated: 2021-12-27. Review status: criteria provided, single submitter. Criteria: ACMG Guidelines, 2015. Collection method: clinical testing. Allele origin: unknown.

Literature cited by the submitters: PubMed 25480383 (cited by Labcorp Genetics (formerly Invitae), Labcorp); PubMed 27074763 (cited by Labcorp Genetics (formerly Invitae), Labcorp).

NM_001042492.3(NF1):c.2850+1G>C

Gene: NF1 (neurofibromin 1; plus strand). Cytogenetic location: 17q11.2.
Variant type: single nucleotide variant.
Coding change: c.2850+1G>C on transcript NM_001042492.3 (MANE Select); the canonical splice donor site of the intron after coding-DNA position 2850, G replaced by C.
Molecular consequence: splice donor variant.
Genome position (GRCh38, 1-based): chr17:31,229,466, G>C. VCF-style: chr17-31229466-G-C. GRCh37 (hg19) VCF-style: chr17-29556484-G-C.
Other names: c.2850+1G>C (NM_000267.4).
Identifiers: ClinVar variation 2137972 (VCV002137972.6), dbSNP rs1131691122, ClinGen allele CA398985900.
Genomic context (GRCh38, chr17:31,229,466, plus strand): 5'-CCAATGCTATTTAACAAATTGAAGAATACCATCAGCAAGTTTTTTGACTCCCAAGGACAG[G>C]TAAAGTGTTCTCTTATTTTTCACCTTTCTCTATGAATAGAGTGACTTGTTTGAAATAAGC-3'